The following is an entry in ClinVar:

NM_138694.4(PKHD1):c.3228+2T>C

Gene: PKHD1 (PKHD1 ciliary IPT domain containing fibrocystin/polyductin; minus strand). Cytogenetic location: 6p12.2.
Variant type: single nucleotide variant.
Coding change: c.3228+2T>C on transcript NM_138694.4 (MANE Select); the canonical splice donor site of the intron after coding-DNA position 3228, T replaced by C.
Molecular consequence: splice donor variant.
Genome position (GRCh38, 1-based): chr6:52,035,589, A>G on the plus strand (T>C on the coding strand, the complement: PKHD1 is on the minus strand). VCF-style: chr6-52035589-A-G. GRCh37 (hg19) VCF-style: chr6-51900387-A-G.
Other names: c.3228+2T>C (NM_170724.3).
Identifiers: ClinVar variation 3780429 (VCV003780429.2).

ClinVar aggregate classification (germline): Pathogenic/Likely pathogenic. Review status: criteria provided, multiple submitters, no conflicts (2 of 4 stars). 2 submissions from 2 submitters: Pathogenic (1); Likely pathogenic (1). Last evaluated 2024-05-28.

Conditions:
Autosomal recessive polycystic kidney disease (ARPKD). Also called: AR polycystic kidney disease. Identifiers: Orphanet 731, Orphanet 8378, MedGen C0085548, MeSH D017044, MONDO:0009889.
Polycystic kidney disease 4 (PKD4). Also called: POLYCYSTIC KIDNEY DISEASE 4 WITH OR WITHOUT POLYCYSTIC LIVER DISEASE; PKD3; Autosomal Recessive Polycystic Kidney Disease – PKHD1; POLYCYSTIC KIDNEY AND HEPATIC DISEASE 1; POLYCYSTIC KIDNEY DISEASE, INFANTILE, TYPE I. Identifiers: MedGen C4540575, MONDO:0033004, OMIM 263200.

Submissions (2):

Natera, Inc.
Classification: Likely pathogenic for Autosomal recessive polycystic kidney disease. Last evaluated: 2024-05-28. Review status: criteria provided, single submitter. Criteria: Natera Variant Classification Schema (03/2026). Collection method: clinical testing. Allele origin: germline.
Comment: The c.3228+2T>C variant in PKHD1 is a canonical splice donor site variant predicted to affect pre-mRNA splicing, which may result in an abnormal transcript and altered protein product. This variant is expected to result in nonsense mediated decay, truncation, or a dysfunctional protein product. This variant is rare in the general population with a frequency below the threshold expected for the associated phenotype(s). Given the available evidence, this variant is classified as Likely Pathogenic.

Department of Pathology and Laboratory Medicine, Sinai Health System
Classification: Pathogenic for Polycystic kidney disease 4. Last evaluated: 2020-02-27. Review status: criteria provided, single submitter. Criteria: ACMG Guidelines, 2015. Collection method: clinical testing. Allele origin: germline. Affected: yes.